The following is an entry in ClinVar:

NM_006904.7(PRKDC):c.2220C>G (p.Ile740Met)

Gene: PRKDC (protein kinase, DNA-activated, catalytic subunit; minus strand). Cytogenetic location: 8q11.21.
Variant type: single nucleotide variant.
Coding change: c.2220C>G on transcript NM_006904.7 (MANE Select); coding-DNA position 2220, C replaced by G.
Protein change: p.Ile740Met; replaces isoleucine 740 with methionine.
Molecular consequence: missense variant.
Genome position (GRCh38, 1-based): chr8:47,927,810, G>C on the plus strand (C>G on the coding strand, the complement: PRKDC is on the minus strand). VCF-style: chr8-47927810-G-C. GRCh37 (hg19) VCF-style: chr8-48840370-G-C.
Other names: c.2220C>G, p.Ile740Met (NM_001081640.2); short protein forms I740M.
Identifiers: ClinVar variation 2497431 (VCV002497431.2), dbSNP rs191477681, ClinGen allele CA371162581.
Genomic context (GRCh38, chr8:47,927,810, plus strand): 5'-TCTGTTCAAGACAACGCCTACCTGCAGTGCAGGAACGTAGGCTCTAACATCGAGTTCAAT[G>C]ATGTTGTGTGGCAAGGACAGAAGAAAGGTCAAACAAGAGGCCAAAAGTTCATCTTTGTAC-3'
Protein context (NP_008835.5, residues 730-750): LTFLLSLPHN[Ile740Met]IELDVRAYVP

ClinVar aggregate classification (germline): Uncertain significance (1 of 4 stars; one submission).

Submission:

Ambry Genetics
Classification: Uncertain significance. Last evaluated: 2023-02-20. Review status: criteria provided, single submitter. Criteria: Ambry Variant Classification Scheme 2023. Collection method: clinical testing. Allele origin: germline.
Comment: The p.I740M variant (also known as c.2220C>G), located in coding exon 20 of the PRKDC gene, results from a C to G substitution at nucleotide position 2220. The isoleucine at codon 740 is replaced by methionine, an amino acid with highly similar properties. This amino acid position is conserved. In addition, this alteration is predicted to be tolerated by in silico analysis. Since supporting evidence is limited at this time, the clinical significance of this alteration remains unclear.